The following is an entry in ClinVar:

ClinVar aggregate classification (germline): Uncertain significance (1 of 4 stars; one submission).

Allele frequency attached by ClinVar (database versions not stated): ExAC 0.00002; gnomAD 0.00001; gnomAD exomes 0.00001; TOPMed 0.00002.
gnomAD v4.1: 19 of 1,613,994 alleles (0.0012%); highest among the groups gnomAD compares: South Asian, 0.02%; no homozygotes.

Submission:

Labcorp Genetics (formerly Invitae), Labcorp
Classification: Uncertain significance. Last evaluated: 2025-11-17. Review status: criteria provided, single submitter. Criteria: Invitae Variant Classification Sherloc (09022015). Collection method: clinical testing. Allele origin: germline.
Comment: This sequence change replaces aspartic acid, which is acidic and polar, with asparagine, which is neutral and polar, at codon 290 of the GNB3 protein (p.Asp290Asn). This variant is present in population databases (rs782763999, gnomAD 0.02%). This variant has not been reported in the literature in individuals affected with GNB3-related conditions. ClinVar contains an entry for this variant (Variation ID: 2187494). Invitae Evidence Modeling of protein sequence and biophysical properties (such as structural, functional, and spatial information, amino acid conservation, physicochemical variation, residue mobility, and thermodynamic stability) indicates that this missense variant is not expected to disrupt GNB3 protein function with a negative predictive value of 80%. In summary, the available evidence is currently insufficient to determine the role of this variant in disease. Therefore, it has been classified as a Variant of Uncertain Significance.

NM_002075.4(GNB3):c.868G>A (p.Asp290Asn)

Genes: CDCA3 (cell division cycle associated 3; minus strand), GNB3 (G protein subunit beta 3; plus strand). Cytogenetic location: 12p13.31.
Variant type: single nucleotide variant.
Coding change: c.868G>A on transcript NM_002075.4 (MANE Select); coding-DNA position 868, G replaced by A.
Protein change: p.Asp290Asn; replaces aspartic acid 290 with asparagine.
Molecular consequence: missense variant. On other transcripts: 3 prime UTR variant (1).
Genome position (GRCh38, 1-based): chr12:6,845,754, G>A. VCF-style: chr12-6845754-G-A. GRCh37 (hg19) VCF-style: chr12-6954918-G-A.
Other names: c.865G>A, p.Asp289Asn (NM_001297571.2); c.*1034C>T (NM_001297603.3); short protein forms D289N, D290N.
Identifiers: ClinVar variation 2187494 (VCV002187494.3), dbSNP rs782763999, ClinGen allele CA6417689.